The following is an entry in ClinVar:

NM_000321.3(RB1):c.1961T>A (p.Val654Glu)

Gene: RB1 (RB transcriptional corepressor 1; plus strand). Cytogenetic location: 13q14.2.
Variant type: single nucleotide variant.
Coding change: c.1961T>A on transcript NM_000321.3 (MANE Select); coding-DNA position 1961, T replaced by A.
Protein change: p.Val654Glu; replaces valine 654 with glutamic acid.
Molecular consequence: missense variant.
Genome position (GRCh38, 1-based): chr13:48,459,688, T>A. VCF-style: chr13-48459688-T-A. GRCh37 (hg19) VCF-style: chr13-49033824-T-A.
Other names: short protein forms V654E.
Identifiers: ClinVar variation 978459 (VCV000978459.9), dbSNP rs769113950, ClinGen allele CA388166672.

ClinVar aggregate classification (germline): Uncertain significance. Review status: criteria provided, single submitter (1 of 4 stars). 2 submissions from 2 submitters: Uncertain significance (1). 1 of the submissions does not count toward it. Last evaluated 2021-02-27.

Conditions:
Retinoblastoma (RB1). Also called: RETINOBLASTOMA, SOMATIC. Identifiers: Orphanet 790, MedGen C0035335, MeSH D012175, MONDO:0008380, OMIM 180200, HP:0009919. Disease mechanism: loss of function. Inheritance: Both sporadic and heritable forms are tested..

Submissions (2):

Labcorp Genetics (formerly Invitae), Labcorp
Classification: Uncertain significance for Retinoblastoma. Last evaluated: 2021-02-27. Review status: criteria provided, single submitter. Criteria: Invitae Variant Classification Sherloc (09022015). Collection method: clinical testing. Allele origin: germline.
Comment: This sequence change replaces valine with glutamic acid at codon 654 of the RB1 protein (p.Val654Glu). The valine residue is highly conserved and there is a moderate physicochemical difference between valine and glutamic acid. This variant is not present in population databases (ExAC no frequency). This variant has been observed in individual(s) with bilateral retinoblastomas (PMID: 7795591). ClinVar contains an entry for this variant (Variation ID: 978459). Algorithms developed to predict the effect of missense changes on protein structure and function (SIFT, PolyPhen-2, Align-GVGD) all suggest that this variant is likely to be disruptive, but these predictions have not been confirmed by published functional studies and their clinical significance is uncertain. In summary, the available evidence is currently insufficient to determine the role of this variant in disease. Therefore, it has been classified as a Variant of Uncertain Significance.

Unidad de Genómica Garrahan, Hospital de Pediatría Garrahan
Classification: Likely pathogenic for Retinoblastoma. Last evaluated: 2019-05-09. Review status: no assertion criteria provided. Collection method: clinical testing. Allele origin: paternal. Affected: yes. Not counted in ClinVar's aggregate classification.

Literature cited by the submitters: PubMed 7795591 (cited by Labcorp Genetics (formerly Invitae), Labcorp).